The following is an entry in ClinVar:

NM_004370.6(COL12A1):c.6448T>A (p.Tyr2150Asn)

Gene: COL12A1 (collagen type XII alpha 1 chain; minus strand). Cytogenetic location: 6q13.
Variant type: single nucleotide variant.
Coding change: c.6448T>A on transcript NM_004370.6 (MANE Select); coding-DNA position 6448, T replaced by A.
Protein change: p.Tyr2150Asn; replaces tyrosine 2150 with asparagine.
Molecular consequence: missense variant.
Genome position (GRCh38, 1-based): chr6:75,126,363, A>T on the plus strand (T>A on the coding strand, the complement: COL12A1 is on the minus strand). VCF-style: chr6-75126363-A-T. GRCh37 (hg19) VCF-style: chr6-75836079-A-T.
Other names: c.6448T>A, p.Tyr2150Asn (NM_001424113.1); c.6427T>A, p.Tyr2143Asn (NM_001424114.1); c.6175T>A, p.Tyr2059Asn (NM_001424115.1); c.2956T>A, p.Tyr986Asn (NM_001424116.1, NM_080645.3); short protein forms Y2059N, Y2143N, Y2150N, Y986N.
Identifiers: ClinVar variation 4879874 (VCV004879874.1).
Genomic context (GRCh38, chr6:75,126,363, plus strand): 5'-CAAATAACCCTCCAAAGCATTTCTATGATGACAAAGGCACTTCCTTACCCACTGGCTTAT[A>T]TACTATTTTATATCCAAGAACTGGAGAAGGTGAAGGATCCCAGGACACCCTGAATCTTGT-3'
Protein context (NP_004361.3, residues 2140-2160): PSPVLGYKIV[Tyr2150Asn]KPVGSNEPME

ClinVar aggregate classification (germline): Uncertain significance (1 of 4 stars; one submission).

Conditions:
Bethlem myopathy 2 (BTHLM2). Identifiers: Orphanet 536516, Orphanet 610, MedGen C4225313, MONDO:0034022, OMIM 616471.

Submission:

MVZ Medizinische Genetik Mainz
Classification: Uncertain significance for Bethlem myopathy 2. Last evaluated: 2026-07-15. Review status: criteria provided, single submitter. Criteria: UK Practice Guidelines For Variant Classification V4 01 2020. Collection method: clinical testing. Allele origin: germline. Inheritance: Autosomal dominant inheritance. Affected: yes. Observed: 1 variant allele.
Comment: ACMG Criteria: PP3_MOD,PM2_SUP